The following is an entry in ClinVar:

NM_181552.4(CUX1):c.675-2A>G

Gene: CUX1 (cut like homeobox 1; plus strand). Cytogenetic location: 7q22.1.
Variant type: single nucleotide variant.
Coding change: c.675-2A>G on transcript NM_181552.4 (MANE Select); the canonical splice acceptor site of the intron before coding-DNA position 675, A replaced by G.
Molecular consequence: splice acceptor variant.
Genome position (GRCh38, 1-based): chr7:102,158,558, A>G. VCF-style: chr7-102158558-A-G. GRCh37 (hg19) VCF-style: chr7-101801838-A-G.
Other names: c.708-2A>G (NM_001913.5, NM_181500.4, NM_001202543.2 and 1 more transcripts); c.570-2A>G (NM_001202545.3); c.660-2A>G (NM_001202544.3); c.597-2A>G (NM_001202546.3).
Identifiers: ClinVar variation 3777085 (VCV003777085.1).

ClinVar aggregate classification (germline): Likely pathogenic (1 of 4 stars; one submission).

Conditions:
Global developmental delay with or without impaired intellectual development. Identifiers: MedGen C5193032, MONDO:0032680, OMIM 618330.

Submission:

University of Washington Department of Laboratory Medicine, University of Washington
Classification: Likely pathogenic for Global developmental delay with or without impaired intellectual development. Last evaluated: 2023-11-02. Review status: criteria provided, single submitter. Criteria: ACMG Guidelines, 2015. Collection method: clinical testing. Allele origin: de novo. Affected: yes.
Comment: The variant was absent from large population databases, including the Genome Aggregation Database. The c.708-2A>G variant alters the canonical acceptor splice site in intron 8, which is predicted to result in abnormal gene splicing. These predictions have not been tested directly. Heterozygous loss of function leading to haploinsufficiency of the CUX1 gene is an established mechanism of disease. Using ACMG guidelines, this variant was classified as likely pathogenic for autosomal dominant CUX1-related neurodevelopmental disorder (ACMG evidence codes used: PVS1, PM2_supporting).